The following is an entry in ClinVar:

NM_175914.5(HNF4A):c.582+20G>C

Gene: HNF4A (hepatocyte nuclear factor 4 alpha; plus strand). Cytogenetic location: 20q13.12.
Variant type: single nucleotide variant.
Coding change: c.582+20G>C on transcript NM_175914.5 (MANE Select); 20 bases into the intron after coding-DNA position 582, G replaced by C.
Molecular consequence: intron variant.
Genome position (GRCh38, 1-based): chr20:44,414,682, G>C. VCF-style: chr20-44414682-G-C. GRCh37 (hg19) VCF-style: chr20-43043322-G-C.
Other names: c.573+20G>C (NM_001287182.2, NM_001287183.2, NM_001287184.2); c.582+20G>C (NM_001030003.3, NM_001030004.3); c.627+20G>C (NM_001258355.2); c.648+20G>C (NM_178849.3, NM_000457.6, NM_178850.3).
Identifiers: ClinVar variation 386451 (VCV000386451.7), dbSNP rs370794722, ClinGen allele CA9870306.

ClinVar aggregate classification (germline): Conflicting classifications of pathogenicity. Review status: criteria provided, conflicting classifications (1 of 4 stars). 4 submissions from 4 submitters: Uncertain significance (1); Benign (1); Likely benign (2). Last evaluated 2023-07-03.

Conditions:
Maturity-onset diabetes of the young (MODY). Also called: Maturity onset diabetes mellitus in young. Identifiers: Orphanet 552, MedGen C0342276, MONDO:0018911, HP:0004904.

Allele frequency attached by ClinVar (database versions not stated): gnomAD exomes 0.00001 and 0.00004; ExAC 0.00008; TOPMed 0.00021; gnomAD 0.00022 and 0.00024; 1000 Genomes Project 30x 0.00031; ESP Exome Variant Server 0.00031.
gnomAD v4.1: 56 of 1,580,984 alleles (0.0035%); highest among the groups gnomAD compares: African/African-American, 0.068%; no homozygotes.

Submissions (4):

Labcorp Genetics (formerly Invitae), Labcorp
Classification: Likely benign. Last evaluated: 2023-07-03. Review status: criteria provided, single submitter. Criteria: Invitae Variant Classification Sherloc (09022015). Collection method: clinical testing. Allele origin: germline.

AiLife Diagnostics
Classification: Uncertain significance. Last evaluated: 2021-06-04. Review status: criteria provided, single submitter. Criteria: ACMG Guidelines, 2015. Collection method: clinical testing. Allele origin: germline. Affected: yes. Observed: 1 variant allele.

GeneDx
Classification: Likely benign. Last evaluated: 2016-05-25. Review status: criteria provided, single submitter. Criteria: GeneDx Variant Classification (06012015). Collection method: clinical testing. Allele origin: germline. Affected: yes.
Comment: This variant is considered likely benign or benign based on one or more of the following criteria: it is a conservative change, it occurs at a poorly conserved position in the protein, it is predicted to be benign by multiple in silico algorithms, and/or has population frequency not consistent with disease.

Clinical Genomics, Uppaluri K&H Personalized Medicine Clinic
Classification: Benign for Maturity-onset diabetes of the young. Review status: criteria provided, single submitter. Criteria: K & H Uppaluri Personalized Medicine Clinic Variant Classification & Assertion Criteria_Updated V.1. Collection method: research. Allele origin: unknown. Inheritance: Autosomal dominant inheritance.
Comment: Potent mutations in HNF4A are associated with poor insulin secretion in response to hyperglycemia. Associated with MODY1. Patients initially respond well to sulfonylureas but eventually become insulin dependent. However, more evidence is required to ascertain the role of this particular variant rs370794722 in MODY, yet.

Literature cited by the submitters: PubMed 18268044 (cited by Clinical Genomics, Uppaluri K&H Personalized Medicine Clinic); PubMed 17563455 (cited by Clinical Genomics, Uppaluri K&H Personalized Medicine Clinic); PubMed 32583173 (cited by Clinical Genomics, Uppaluri K&H Personalized Medicine Clinic); PubMed 35052457 (cited by Clinical Genomics, Uppaluri K&H Personalized Medicine Clinic); PubMed 35118593 (cited by Clinical Genomics, Uppaluri K&H Personalized Medicine Clinic); DOI 10.1159/000334532 (cited by Clinical Genomics, Uppaluri K&H Personalized Medicine Clinic).